The following is an entry in ClinVar:

NM_001034852.3(SMOC1):c.189C>T (p.Tyr63=)

Gene: SMOC1 (SPARC related modular calcium binding 1; plus strand). Cytogenetic location: 14q24.2.
Variant type: single nucleotide variant.
Coding change: c.189C>T on transcript NM_001034852.3 (MANE Select); coding-DNA position 189, C replaced by T.
Protein change: p.Tyr63=; no amino-acid change (tyrosine 63 retained).
Molecular consequence: synonymous variant.
Genome position (GRCh38, 1-based): chr14:69,952,227, C>T. VCF-style: chr14-69952227-C-T. GRCh37 (hg19) VCF-style: chr14-70418944-C-T.
Other names: c.189C>T (NM_001034852.2); c.189C>T, p.Tyr63= (NM_022137.6).
Identifiers: ClinVar variation 1897340 (VCV001897340.7), dbSNP rs1350287540, ClinGen allele CA487008060.

ClinVar aggregate classification (germline): Likely benign. Review status: criteria provided, single submitter (1 of 4 stars). 2 submissions from 2 submitters: Likely benign (1). 1 of the submissions does not count toward it. Last evaluated 2022-08-19.

Conditions:
SMOC1-related disorder. Also called: SMOC1-related condition.

Allele frequency attached by ClinVar (database versions not stated): gnomAD exomes 0.00001; TOPMed 0.00001; gnomAD 0.00003.

Submissions (2):

Labcorp Genetics (formerly Invitae), Labcorp
Classification: Likely benign. Last evaluated: 2022-08-19. Review status: criteria provided, single submitter. Criteria: Invitae Variant Classification Sherloc (09022015). Collection method: clinical testing. Allele origin: germline.

PreventionGenetics, part of Exact Sciences
Classification: Likely benign for SMOC1-related condition. Last evaluated: 2019-03-06. Review status: no assertion criteria provided. Collection method: clinical testing. Allele origin: germline. Not counted in ClinVar's aggregate classification.
Comment: This variant is classified as likely benign based on ACMG/AMP sequence variant interpretation guidelines (Richards et al. 2015 PMID: 25741868, with internal and published modifications).